The following is an entry in ClinVar:

NM_194248.3(OTOF):c.1803+1G>A

Gene: OTOF (otoferlin; minus strand). Cytogenetic location: 2p23.3.
Variant type: single nucleotide variant.
Coding change: c.1803+1G>A on transcript NM_194248.3 (MANE Select); the canonical splice donor site of the intron after coding-DNA position 1803, G replaced by A.
Molecular consequence: splice donor variant.
Genome position (GRCh38, 1-based): chr2:26,480,785, C>T on the plus strand (G>A on the coding strand, the complement: OTOF is on the minus strand). VCF-style: chr2-26480785-C-T. GRCh37 (hg19) VCF-style: chr2-26703653-C-T.
Other names: c.1803+1G>A (NM_194248.2, NM_001287489.2).
Identifiers: ClinVar variation 1472845 (VCV001472845.7), dbSNP rs2148056848, ClinGen allele CA346132526.

ClinVar aggregate classification (germline): Likely pathogenic. Review status: criteria provided, multiple submitters, no conflicts (2 of 4 stars). 2 submissions from 2 submitters: Likely pathogenic (2). Last evaluated 2025-06-16.

Conditions:
OTOF-related disorder. Also called: OTOF-related condition.

gnomAD v4.1: 3 of 1,611,196 alleles (0.00019%); highest among the groups gnomAD compares: Non-Finnish European, 0.00025%; no homozygotes.

Submissions (2):

PreventionGenetics, part of Exact Sciences
Classification: Likely pathogenic for OTOF-related condition. Last evaluated: 2025-06-16. Review status: criteria provided, single submitter. Criteria: ACMG Guidelines, 2015. Collection method: clinical testing. Allele origin: germline.
Comment: The OTOF c.1803+1G>A variant is predicted to disrupt the GT donor site and interfere with normal splicing. To our knowledge, this variant has not been reported in the literature. This variant has not been reported in a large population database (gnomAD), indicating this variant is rare. Variants that disrupt the consensus splice donor site in OTOF are expected to be pathogenic. This variant is interpreted as likely pathogenic.

Labcorp Genetics (formerly Invitae), Labcorp
Classification: Likely pathogenic. Last evaluated: 2021-09-17. Review status: criteria provided, single submitter. Criteria: Invitae Variant Classification Sherloc (09022015). Collection method: clinical testing. Allele origin: germline.
Comment: In summary, the currently available evidence indicates that the variant is pathogenic, but additional data are needed to prove that conclusively. Therefore, this variant has been classified as Likely Pathogenic. This sequence change affects a donor splice site in intron 15 of the OTOF gene. It is expected to disrupt RNA splicing. Variants that disrupt the donor or acceptor splice site typically lead to a loss of protein function (PMID: 16199547), and loss-of-function variants in OTOF are known to be pathogenic (PMID: 18381613, 19250381, 22575033). This variant is not present in population databases (ExAC no frequency). Algorithms developed to predict the effect of sequence changes on RNA splicing suggest that this variant may disrupt the consensus splice site. This variant has not been reported in the literature in individuals affected with OTOF-related conditions.

Literature cited by the submitters: PubMed 16199547 (cited by Labcorp Genetics (formerly Invitae), Labcorp); PubMed 18381613 (cited by Labcorp Genetics (formerly Invitae), Labcorp); PubMed 19250381 (cited by Labcorp Genetics (formerly Invitae), Labcorp); PubMed 22575033 (cited by Labcorp Genetics (formerly Invitae), Labcorp).